The following is an entry in ClinVar:

ClinVar aggregate classification (germline): Benign/Likely benign. Review status: criteria provided, multiple submitters, no conflicts (2 of 4 stars). 7 submissions from 7 submitters: Benign (2); Likely benign (3). 2 of the submissions do not count toward it. Last evaluated 2025-11-01.

Conditions:
Early-infantile DEE. Also called: Ohtahara syndrome; Early infantile epileptic encephalopathy with suppression bursts; Early infantile epileptic encephalopathy. Identifiers: Orphanet 1934, MedGen C0393706, MONDO:0800491.

Submissions (7):

CeGaT Center for Human Genetics Tuebingen
Classification: Likely benign. Last evaluated: 2025-11-01. Review status: criteria provided, single submitter. Criteria: CeGaT Center For Human Genetics Tuebingen Variant Classification Criteria Version 2. Collection method: clinical testing. Allele origin: germline. Affected: yes. Observed: 1 variant allele.
Comment: SCN1A: BP4, BS1

Labcorp Genetics (formerly Invitae), Labcorp
Classification: Benign for Early-infantile DEE. Last evaluated: 2025-05-27. Review status: criteria provided, single submitter. Criteria: Invitae Variant Classification Sherloc (09022015). Collection method: clinical testing. Allele origin: germline.

Blueprint Genetics
Classification: Likely benign. Last evaluated: 2023-02-07. Review status: criteria provided, single submitter. Criteria: ACMG Guidelines, 2015. Collection method: clinical testing. Allele origin: germline.

Women's Health and Genetics/Laboratory Corporation of America, LabCorp
Classification: Benign. Last evaluated: 2021-03-01. Review status: criteria provided, single submitter. Criteria: LabCorp Variant Classification Summary - May 2015. Collection method: clinical testing. Allele origin: germline.
Comment: Variant summary: SCN1A c.2044-5delT alters a non-conserved nucleotide located close to a canonical splice site and therefore could affect mRNA splicing, leading to a significantly altered protein sequence. 4/4 computational tools predict no significant impact on normal splicing. However, these predictions have yet to be confirmed by functional studies. The variant allele was found at a frequency of 0.00023 in 228492 control chromosomes. The observed variant frequency is approximately 13 fold of the estimated maximal expected allele frequency for a pathogenic variant in SCN1A causing SCN1A-Related Seizure Disorder phenotype (1.8e-05), strongly suggesting that the variant is benign. c.2044-5delT has been reported in the literature in individuals affected with SCN1A-Related Seizure Disorder. This report does not provide unequivocal conclusions about association of the variant with SCN1A-Related Seizure Disorder (Ishii_2017). To our knowledge, no experimental evidence demonstrating an impact on protein function has been reported. Three clinical diagnostic laboratories have submitted clinical-significance assessments for this variant to ClinVar after 2014 without evidence for independent evaluation. All laboratories classified the variant as benign/likely benign. Based on the evidence outlined above, the variant was classified as benign.

GeneDx
Classification: Likely benign. Last evaluated: 2018-01-03. Review status: criteria provided, single submitter. Criteria: GeneDx Variant Classification (06012015). Collection method: clinical testing. Allele origin: germline. Affected: yes.
Comment: This variant is considered likely benign or benign based on one or more of the following criteria: it is a conservative change, it occurs at a poorly conserved position in the protein, it is predicted to be benign by multiple in silico algorithms, and/or has population frequency not consistent with disease.

Clinical Genetics DNA and cytogenetics Diagnostics Lab, Erasmus MC, Erasmus Medical Center
Classification: Likely benign. Review status: no assertion criteria provided. Collection method: clinical testing. Allele origin: germline. Affected: yes. Study: VKGL Data-share Consensus. Not counted in ClinVar's aggregate classification.

Genome Diagnostics Laboratory, University Medical Center Utrecht
Classification: Benign. Review status: no assertion criteria provided. Collection method: clinical testing. Allele origin: germline. Affected: yes. Study: VKGL Data-share Consensus. Not counted in ClinVar's aggregate classification.

Literature cited by the submitters: PubMed 28012175 (cited by Women's Health and Genetics/Laboratory Corporation of America, LabCorp).

NM_001165963.4(SCN1A):c.2044-5del

Gene: SCN1A (sodium voltage-gated channel alpha subunit 1; minus strand). Cytogenetic location: 2q24.3.
Variant type: Deletion.
Coding change: c.2044-5del on transcript NM_001165963.4 (MANE Select); 5 bases into the intron before coding-DNA position 2044, one base deleted (T; older notation c.2044-5delT).
Molecular consequence: intron variant.
Genome position (GRCh38, 1-based): chr2:166,042,429, A deleted on the plus strand (T on the coding strand, the reverse complement: SCN1A is on the minus strand); the first of 9 consecutive A bases (chr2:166,042,429-166,042,437); deleting any one gives the same sequence. VCF-style (leftmost placement, unchanged base first): chr2-166042428-TA-T. GRCh37 (hg19) VCF-style: chr2-166898938-TA-T.
Other names: c.2044-5delT (NM_001165963.1); c.2011-5del (NM_001353949.2, NM_001353950.2, NM_001353951.2 and 2 more transcripts); c.1960-5del (NM_001353958.2, NM_001353957.2, NM_001165964.3); c.2044-5del (NM_001202435.3, NM_001353948.2); c.2008-5del (NM_001353955.2, NM_001353954.2); c.1957-5del (NM_001353960.2); c.-415-5del (NM_001353961.2).
Identifiers: ClinVar variation 331892 (VCV000331892.25), dbSNP rs549232924, ClinGen allele CA1943196.
Genomic context (GRCh38, chr2:166,042,428, plus strand): 5'-GGAAACGTGGAAAGAACTTGACCTTCTCTTTCTCATTTCAGTTTCAGTGGTTGTTCCCTG[TA>T]AAAAAAAATGCTAATGCATTAAACAATTAATTTGAGCAATATGACAAGCAAACAACCAAA-3'